The following is an entry in ClinVar:

ClinVar aggregate classification (germline): Uncertain significance (1 of 4 stars; one submission).

Conditions:
Dilated cardiomyopathy 1DD (CMD1DD). Identifiers: Orphanet 154, MedGen C2750995, MONDO:0013168, OMIM 613172.

Submission:

Labcorp Genetics (formerly Invitae), Labcorp
Classification: Uncertain significance for Dilated cardiomyopathy 1DD. Last evaluated: 2025-06-18. Review status: criteria provided, single submitter. Criteria: Invitae Variant Classification Sherloc (09022015). Collection method: clinical testing. Allele origin: germline.
Comment: This sequence change replaces isoleucine, which is neutral and non-polar, with phenylalanine, which is neutral and non-polar, at codon 613 of the RBM20 protein (p.Ile613Phe). This variant is not present in population databases (gnomAD no frequency). This variant has not been reported in the literature in individuals affected with RBM20-related conditions. Invitae Evidence Modeling of protein sequence and biophysical properties (such as structural, functional, and spatial information, amino acid conservation, physicochemical variation, residue mobility, and thermodynamic stability) has been performed for this missense variant. However, the output from this modeling did not meet the statistical confidence thresholds required to predict the impact of this variant on RBM20 protein function. In summary, the available evidence is currently insufficient to determine the role of this variant in disease. Therefore, it has been classified as a Variant of Uncertain Significance.

NM_001134363.3(RBM20):c.1837A>T (p.Ile613Phe)

Gene: RBM20 (RNA binding motif protein 20; plus strand). Cytogenetic location: 10q25.2.
Variant type: single nucleotide variant.
Coding change: c.1837A>T on transcript NM_001134363.3 (MANE Select); coding-DNA position 1837, A replaced by T.
Protein change: p.Ile613Phe; replaces isoleucine 613 with phenylalanine.
Molecular consequence: missense variant.
Genome position (GRCh38, 1-based): chr10:110,810,419, A>T. VCF-style: chr10-110810419-A-T. GRCh37 (hg19) VCF-style: chr10-112570177-A-T.
Other names: short protein forms I613F.
Identifiers: ClinVar variation 4802654 (VCV004802654.1).